The following is an entry in ClinVar:

NM_025132.4(WDR19):c.3129C>G (p.Phe1043Leu)

Gene: WDR19 (WD repeat domain 19; plus strand). Cytogenetic location: 4p14.
Variant type: single nucleotide variant.
Coding change: c.3129C>G on transcript NM_025132.4 (MANE Select); coding-DNA position 3129, C replaced by G.
Protein change: p.Phe1043Leu; replaces phenylalanine 1043 with leucine.
Molecular consequence: missense variant.
Genome position (GRCh38, 1-based): chr4:39,257,500, C>G. VCF-style: chr4-39257500-C-G. GRCh37 (hg19) VCF-style: chr4-39259120-C-G.
Other names: c.2649C>G, p.Phe883Leu (NM_001317924.2); short protein forms F883L, F1043L.
Identifiers: ClinVar variation 2064352 (VCV002064352.4), dbSNP rs2475335786, ClinGen allele CA356643520.

ClinVar aggregate classification (germline): Uncertain significance (1 of 4 stars; one submission).

Conditions:
Asphyxiating thoracic dystrophy 5 (SRTD5). Also called: SHORT-RIB THORACIC DYSPLASIA 5 WITHOUT POLYDACTYLY; SHORT-RIB THORACIC DYSPLASIA 5 WITH OR WITHOUT POLYDACTYLY. Identifiers: Orphanet 474, MedGen C3280598, MONDO:0013717, OMIM 614376.
Senior-Loken syndrome 8 (SLSN8). Identifiers: Orphanet 3156, MedGen C4225376, MONDO:0014579, OMIM 616307.

Submission:

Labcorp Genetics (formerly Invitae), Labcorp
Classification: Uncertain significance for Senior-Loken syndrome 8; Asphyxiating thoracic dystrophy 5. Last evaluated: 2022-11-01. Review status: criteria provided, single submitter. Criteria: Invitae Variant Classification Sherloc (09022015). Collection method: clinical testing. Allele origin: germline.
Comment: In summary, the available evidence is currently insufficient to determine the role of this variant in disease. Therefore, it has been classified as a Variant of Uncertain Significance. Algorithms developed to predict the effect of missense changes on protein structure and function output the following: SIFT: "Tolerated"; PolyPhen-2: "Benign"; Align-GVGD: "Class C0". The leucine amino acid residue is found in multiple mammalian species, which suggests that this missense change does not adversely affect protein function. This variant has not been reported in the literature in individuals affected with WDR19-related conditions. This variant is not present in population databases (gnomAD no frequency). This sequence change replaces phenylalanine, which is neutral and non-polar, with leucine, which is neutral and non-polar, at codon 1043 of the WDR19 protein (p.Phe1043Leu).